The following is an entry in ClinVar:

ClinVar aggregate classification (germline): Likely benign. Review status: criteria provided, multiple submitters, no conflicts (2 of 4 stars). 2 submissions from 2 submitters: Likely benign (2). Last evaluated 2026-03-01.

gnomAD v4.1: 889 of 1,598,378 alleles (0.056%); highest among the groups gnomAD compares: Non-Finnish European, 0.036%; 3 homozygotes.

Submissions (2):

CeGaT Center for Human Genetics Tuebingen
Classification: Likely benign. Last evaluated: 2026-03-01. Review status: criteria provided, single submitter. Criteria: CeGaT Center For Human Genetics Tuebingen Variant Classification Criteria Version 2. Collection method: clinical testing. Allele origin: germline. Affected: yes. Observed: 1 variant allele.
Comment: PDE4D: BP4, BS2

Blueprint Genetics
Classification: Likely benign. Last evaluated: 2024-11-21. Review status: criteria provided, single submitter. Criteria: ACMG Guidelines, 2015. Collection method: clinical testing. Allele origin: germline.

NM_001104631.2(PDE4D):c.455+124717G>A

Genes: PDE4D (phosphodiesterase 4D; minus strand), LOC126807405 (BRD4-independent group 4 enhancer GRCh37_chr5:59063568-59064767; plus strand). Cytogenetic location: 5q12.1.
Variant type: single nucleotide variant.
Coding change: c.455+124717G>A on transcript NM_001104631.2 (MANE Select); 124717 bases into the intron after coding-DNA position 455, G replaced by A.
Molecular consequence: intron variant. On other transcripts: missense variant (3), 5 prime UTR variant (1).
Genome position (GRCh38, 1-based): chr5:59,768,451, C>T on the plus strand (G>A on the coding strand, the complement: PDE4D is on the minus strand). VCF-style: chr5-59768451-C-T. GRCh37 (hg19) VCF-style: chr5-59064277-C-T.
Other names: c.59G>A, p.Cys20Tyr (NM_001197218.2, NM_001364601.1, NM_001364602.2); c.-700G>A (NM_001364603.1); c.272+220037G>A (NM_001364599.1, NM_001165899.2, NM_001364600.2); c.-240+220037G>A (NM_001349243.2); c.242+220037G>A (NM_001349241.2); short protein forms C20Y.
Identifiers: ClinVar variation 4821796 (VCV004821796.5).